The following is an entry in ClinVar:

NM_014363.6(SACS):c.13027G>A (p.Glu4343Lys)

Gene: SACS (sacsin molecular chaperone; minus strand). Cytogenetic location: 13q12.12.
Variant type: single nucleotide variant.
Coding change: c.13027G>A on transcript NM_014363.6 (MANE Select); coding-DNA position 13027, G replaced by A.
Protein change: p.Glu4343Lys; replaces glutamic acid 4343 with lysine.
Molecular consequence: missense variant.
Genome position (GRCh38, 1-based): chr13:23,330,849, C>T on the plus strand (G>A on the coding strand, the complement: SACS is on the minus strand). VCF-style: chr13-23330849-C-T. GRCh37 (hg19) VCF-style: chr13-23904988-C-T.
Other names: c.13027G>A (NM_014363.5); c.12586G>A, p.Glu4196Lys (NM_001278055.2); short protein forms E4343K, E4196K.
Identifiers: ClinVar variation 502677 (VCV000502677.17), dbSNP rs749383532, ClinGen allele CA6910035.
Genomic context (GRCh38, chr13:23,330,849, plus strand): 5'-CTAATCTGTTGATTTCATTCTGCAAATGTTTAAAAACTTCATTGGCAATGTCATGGTTCT[C>T]TGGATTTTTGTCAGGATGCCATTTCAAATACAACCGCCTAATAATCTTTTTTCGTTCCGA-3'
Protein context (NP_055178.3, residues 4333-4353): YLKWHPDKNP[Glu4343Lys]NHDIANEVFK

ClinVar aggregate classification (germline): Conflicting classifications of pathogenicity. Review status: criteria provided, conflicting classifications (1 of 4 stars). 7 submissions from 7 submitters: Uncertain significance (5); Benign (1). 1 of the submissions does not count toward it. Last evaluated 2024-03-16.

Conditions:
Spastic paraplegia. Identifiers: MedGen C0037772, HP:0001258.
Charlevoix-Saguenay spastic ataxia (SACS). Also called: Spastic ataxia of Charlevoix-Saguenay; SPASTIC ATAXIA 6, AUTOSOMAL RECESSIVE; AUTOSOMAL RECESSIVE SPASTIC ATAXIA OF CHARLEVOIX-SAGUENAY. Identifiers: Orphanet 98, MedGen C1849140, MONDO:0010041, OMIM 270550.

Allele frequency attached by ClinVar (database versions not stated): gnomAD exomes 0.00006 and 0.00007; ExAC 0.00007; gnomAD 0.00007 and 0.00008; TOPMed 0.00014.
gnomAD v4.1: 104 of 1,613,950 alleles (0.0064%); highest among the groups gnomAD compares: Admixed American, 0.013%; 1 homozygote.

Submissions (7):

Labcorp Genetics (formerly Invitae), Labcorp
Classification: Benign for Spastic paraplegia. Last evaluated: 2024-03-16. Review status: criteria provided, single submitter. Criteria: Invitae Variant Classification Sherloc (09022015). Collection method: clinical testing. Allele origin: germline.

Women's Health and Genetics/Laboratory Corporation of America, LabCorp
Classification: Uncertain significance. Last evaluated: 2022-04-08. Review status: criteria provided, single submitter. Criteria: LabCorp Variant Classification Summary - May 2015. Collection method: clinical testing. Allele origin: germline.
Comment: Variant summary: SACS c.13027G>A (p.Glu4343Lys) results in a conservative amino acid change located in the DnaJ domain (IPR001623) of the encoded protein sequence. Four of five in-silico tools predict a benign effect of the variant on protein function. The variant allele was found at a frequency of 6.4e-05 in 250148 control chromosomes (gnomAD). This frequency is not higher than expected for a pathogenic variant in SACS causing Autosomal Recessive Spastic Ataxia Of Charlevoix-Saguenay (6.4e-05 vs 0.0079), allowing no conclusion about variant significance. c.13027G>A has been reported in the literature in one individual with some clinical features of Autosomal Recessive Spastic Ataxia Of Charlevoix-Saguenay (ARSACS), however this individual had very late onset cerebellar atrophy and gait impairments with no signs of neuropathy (Baets_2010). This report does not provide unequivocal conclusions about association of the variant with Autosomal Recessive Spastic Ataxia Of Charlevoix-Saguenay. To our knowledge, no experimental evidence demonstrating an impact on protein function has been reported. Four ClinVar submitters have assessed the variant since 2014: all four classified the variant as of uncertain significance. Based on the evidence outlined above, the variant was classified as uncertain significance.

Genome-Nilou Lab
Classification: Uncertain significance for Charlevoix-Saguenay spastic ataxia. Last evaluated: 2021-09-05. Review status: criteria provided, single submitter. Criteria: ACMG Guidelines, 2015. Collection method: clinical testing. Allele origin: germline. Affected: no.

GeneDx
Classification: Uncertain significance. Last evaluated: 2019-08-07. Review status: criteria provided, single submitter. Criteria: GeneDx Variant Classification Process June 2021. Collection method: clinical testing. Allele origin: germline. Affected: yes.
Comment: In silico analysis, which includes protein predictors and evolutionary conservation, supports that this variant does not alter protein structure/function; Not observed at a significant frequency in large population cohorts (Lek et al., 2016); This variant is associated with the following publications: (PMID: 20876471, 29203718)

Revvity Omics, Revvity
Classification: Uncertain significance for Charlevoix-Saguenay spastic ataxia. Last evaluated: 2019-05-11. Review status: criteria provided, single submitter. Criteria: ACMG Guidelines, 2015. Collection method: clinical testing. Allele origin: germline.

Eurofins Ntd Llc (ga)
Classification: Uncertain significance. Last evaluated: 2017-06-29. Review status: criteria provided, single submitter. Criteria: EGL Classification Definitions 2015. Collection method: clinical testing. Allele origin: germline. Observed: 1 variant allele, 1 heterozygote.

Counsyl
Classification: Uncertain significance for Charlevoix-Saguenay spastic ataxia. Last evaluated: 2018-01-08. Review status: no assertion criteria provided. Collection method: clinical testing. Allele origin: unknown. Not counted in ClinVar's aggregate classification.

Literature cited by the submitters: PubMed 20876471 (cited by Women's Health and Genetics/Laboratory Corporation of America, LabCorp and Counsyl).